The following is an entry in ClinVar:

NM_004551.3(NDUFS3):c.67+4A>C

Gene: NDUFS3 (NADH:ubiquinone oxidoreductase core subunit S3; plus strand). Cytogenetic location: 11p11.2.
Variant type: single nucleotide variant.
Coding change: c.67+4A>C on transcript NM_004551.3 (MANE Select); 4 bases into the intron after coding-DNA position 67, A replaced by C.
Molecular consequence: intron variant.
Genome position (GRCh38, 1-based): chr11:47,579,162, A>C. VCF-style: chr11-47579162-A-C. GRCh37 (hg19) VCF-style: chr11-47600714-A-C.
Identifiers: ClinVar variation 1353893 (VCV001353893.6), dbSNP rs1424630879, ClinGen allele CA599375245.

ClinVar aggregate classification (germline): Uncertain significance (1 of 4 stars; one submission).

Allele frequency attached by ClinVar (database versions not stated): gnomAD exomes below 0.00001.
gnomAD v4.1: 3 of 1,610,864 alleles (0.00019%); highest among the groups gnomAD compares: South Asian, 0.0033%; no homozygotes.

Submission:

Labcorp Genetics (formerly Invitae), Labcorp
Classification: Uncertain significance. Last evaluated: 2024-02-17. Review status: criteria provided, single submitter. Criteria: Invitae Variant Classification Sherloc (09022015). Collection method: clinical testing. Allele origin: germline.
Comment: This sequence change falls in intron 1 of the NDUFS3 gene. It does not directly change the encoded amino acid sequence of the NDUFS3 protein. It affects a nucleotide within the consensus splice site. This variant is present in population databases (no rsID available, gnomAD 0.003%). This variant has not been reported in the literature in individuals affected with NDUFS3-related conditions. ClinVar contains an entry for this variant (Variation ID: 1353893). Variants that disrupt the consensus splice site are a relatively common cause of aberrant splicing (PMID: 17576681, 9536098). Algorithms developed to predict the effect of sequence changes on RNA splicing suggest that this variant may disrupt the consensus splice site. In summary, the available evidence is currently insufficient to determine the role of this variant in disease. Therefore, it has been classified as a Variant of Uncertain Significance.

Literature cited by the submitters: PubMed 17576681; PubMed 9536098.